The following is an entry in ClinVar:

ClinVar aggregate classification (germline): Likely benign (0 of 4 stars; one submission).

Conditions:
TNS2-related disorder. Also called: TNS2-related condition.

gnomAD v4.1: 22 of 1,591,602 alleles (0.0014%); highest among the groups gnomAD compares: African/African-American, 0.03%; no homozygotes.

Submission:

PreventionGenetics, part of Exact Sciences
Classification: Likely benign for TNS2-related condition. Last evaluated: 2023-05-31. Review status: no assertion criteria provided. Collection method: clinical testing. Allele origin: germline.
Comment: This variant is classified as likely benign based on ACMG/AMP sequence variant interpretation guidelines (Richards et al. 2015 PMID: 25741868, with internal and published modifications).

NM_170754.4(TNS2):c.1902C>A (p.Ala634=)

Gene: TNS2 (tensin 2; plus strand). Cytogenetic location: 12q13.13.
Variant type: single nucleotide variant.
Coding change: c.1902C>A on transcript NM_170754.4 (MANE Select); coding-DNA position 1902, C replaced by A.
Protein change: p.Ala634=; no amino-acid change (alanine 634 retained).
Molecular consequence: synonymous variant.
Genome position (GRCh38, 1-based): chr12:53,059,543, C>A. VCF-style: chr12-53059543-C-A. GRCh37 (hg19) VCF-style: chr12-53453327-C-A.
Other names: c.1902C>A, p.Ala634= (NM_001416202.1); c.1860C>A, p.Ala620= (NM_001416203.1); c.1929C>A, p.Ala643= (NM_001416204.1); c.1833C>A, p.Ala611= (NM_015319.3); c.1530C>A, p.Ala510= (NM_198316.2).
Identifiers: ClinVar variation 3036170 (VCV003036170.2), dbSNP rs144263825, ClinGen allele CA237297039.